The following is an entry in ClinVar:

ClinVar aggregate classification (germline): Pathogenic. Review status: criteria provided, multiple submitters, no conflicts (2 of 4 stars). 2 submissions from 2 submitters: Pathogenic (2). Last evaluated 2022-05-03.

Conditions:
Hereditary cancer-predisposing syndrome. Also called: Neoplastic Syndromes, Hereditary; Tumor predisposition; Hereditary Cancer Syndrome; Hereditary neoplastic syndrome. Identifiers: Orphanet 140162, MedGen C0027672, MeSH D009386, MONDO:0015356.

Submissions (2):

Ambry Genetics
Classification: Pathogenic for Hereditary cancer-predisposing syndrome. Last evaluated: 2022-05-03. Review status: criteria provided, single submitter. Criteria: Ambry Variant Classification Scheme 2023. Collection method: clinical testing. Allele origin: germline.
Comment: The c.3806_3818del13 pathogenic mutation, located in coding exon 9 of the MSH6 gene, results from a deletion of 13 nucleotides at nucleotide positions 3806 to 3818, causing a translational frameshift with a predicted alternate stop codon (p.C1269Lfs*54). This alteration occurs at the 3' terminus of theMSH6 gene, is not expected to trigger nonsense-mediated mRNA decay, and only impacts the last 92 amino acids of the protein. However, premature stop codons are typically deleterious in nature and the impacted region is critical for protein function (Ambry internal data). Another truncating alteration downstream, p.C1337Sfs*5 (c.4004_4007dupAAGT), has been observed in at least one individual with a personal and/or family history that is consistent with Lynch syndrome (Ambry internal data). This variant is considered to be rare based on population cohorts in the Genome Aggregation Database (gnomAD). Based on the supporting evidence, this alteration is interpreted as a disease-causing mutation.

Color Diagnostics, LLC DBA Color Health
Classification: Pathogenic for Hereditary cancer-predisposing syndrome. Last evaluated: 2020-01-15. Review status: criteria provided, single submitter. Criteria: ACMG Guidelines, 2015. Collection method: clinical testing. Allele origin: germline.
Comment: This variant deletes 13 nucleotides in exon 9 of the MSH6 gene, creating a frameshift and premature translation stop signal. This variant is expected to result in an absent or non-functional protein product. This variant has not been identified in the general population by the Genome Aggregation Database (gnomAD). Loss of MSH6 function is a known mechanism of disease. Based on the available evidence, this variant is classified as Pathogenic.

NM_000179.3(MSH6):c.3806_3818del (p.Cys1269fs)

Gene: MSH6 (mutS homolog 6; plus strand). Cytogenetic location: 2p16.3.
Variant type: Deletion.
Coding change: c.3806_3818del on transcript NM_000179.3 (MANE Select); coding-DNA positions 3806 to 3818, 13 bases deleted (GCATGGTAGAAAA).
Protein change: p.Cys1269fs; shifts the reading frame from cysteine 1269.
Molecular consequence: frameshift variant.
Genome position (GRCh38, 1-based): chr2:47,806,456-47,806,468, GCATGGTAGAAAA deleted. VCF-style (leftmost placement, unchanged base first): chr2-47806455-TGCATGGTAGAAAA-T. GRCh37 (hg19) VCF-style: chr2-48033594-TGCATGGTAGAAAA-T.
Other names: c.3416_3428del, p.Cys1139fs (NM_001281492.2); c.2900_2912del, p.Cys967fs (NM_001281493.2, NM_001281494.2); c.3806_3818del13 (NM_000179.2); short protein forms C1139fs, C1269fs, C967fs.
Identifiers: ClinVar variation 924913 (VCV000924913.5), dbSNP rs1670089838, ClinGen allele CA913188031.